The following is an entry in ClinVar:

ClinVar aggregate classification (germline): Uncertain significance. Review status: criteria provided, multiple submitters, no conflicts (2 of 4 stars). 2 submissions from 2 submitters: Uncertain significance (2). Last evaluated 2025-02-22.

Conditions:
Pulmonary fibrosis and/or bone marrow failure, Telomere-related, 3. Also called: PULMONARY FIBROSIS AND/OR BONE MARROW FAILURE SYNDROME, TELOMERE-RELATED, 3. Identifiers: Orphanet 2032, MedGen C4225346, MONDO:0014613, OMIM 616373.
Dyskeratosis congenita, autosomal recessive 5 (DKCB5). Identifiers: MedGen C3554656, MONDO:0014076, OMIM 615190.
Inborn genetic diseases. Identifiers: MedGen C0950123, MeSH D030342.

Allele frequency attached by ClinVar (database versions not stated): gnomAD exomes 0.00001.
gnomAD v4.1: 11 of 1,608,038 alleles (0.00068%); highest among the groups gnomAD compares: Middle Eastern, 0.017%; no homozygotes.

Submissions (2):

Ambry Genetics
Classification: Uncertain significance for Inborn genetic diseases. Last evaluated: 2025-02-22. Review status: criteria provided, single submitter. Criteria: Ambry Variant Classification Scheme 2023. Collection method: clinical testing. Allele origin: germline.
Comment: The p.P761S variant (also known as c.2281C>T), located in coding exon 25 of the RTEL1 gene, results from a C to T substitution at nucleotide position 2281. The proline at codon 761 is replaced by serine, an amino acid with similar properties. This amino acid position is conserved. In addition, this alteration is predicted to be tolerated by in silico analysis. Based on the available evidence, the clinical significance of this variant remains unclear.

Labcorp Genetics (formerly Invitae), Labcorp
Classification: Uncertain significance for Dyskeratosis congenita, autosomal recessive 5; Pulmonary fibrosis and/or bone marrow failure, Telomere-related, 3. Last evaluated: 2022-10-25. Review status: criteria provided, single submitter. Criteria: Invitae Variant Classification Sherloc (09022015). Collection method: clinical testing. Allele origin: germline.
Comment: In summary, the available evidence is currently insufficient to determine the role of this variant in disease. Therefore, it has been classified as a Variant of Uncertain Significance. Algorithms developed to predict the effect of missense changes on protein structure and function (SIFT, PolyPhen-2, Align-GVGD) all suggest that this variant is likely to be tolerated. This variant has not been reported in the literature in individuals affected with RTEL1-related conditions. This variant is not present in population databases (gnomAD no frequency). This sequence change replaces proline, which is neutral and non-polar, with serine, which is neutral and polar, at codon 761 of the RTEL1 protein (p.Pro761Ser).

NM_001283009.2(RTEL1):c.2281C>T (p.Pro761Ser)

Genes: RTEL1 (regulator of telomere elongation helicase 1; plus strand), RTEL1-TNFRSF6B (RTEL1-TNFRSF6B readthrough (NMD candidate); plus strand). Cytogenetic location: 20q13.33.
Variant type: single nucleotide variant.
Coding change: c.2281C>T on transcript NM_001283009.2 (MANE Select); coding-DNA position 2281, C replaced by T.
Protein change: p.Pro761Ser; replaces proline 761 with serine.
Molecular consequence: missense variant. On other transcripts: non-coding transcript variant (1).
Genome position (GRCh38, 1-based): chr20:63,690,309, C>T. VCF-style: chr20-63690309-C-T. GRCh37 (hg19) VCF-style: chr20-62321662-C-T.
Other names: c.1612C>T, p.Pro538Ser (NM_001283010.1); c.2281C>T, p.Pro761Ser (NM_016434.4); c.2353C>T, p.Pro785Ser (NM_032957.5); short protein forms P538S, P761S, P785S.
Identifiers: ClinVar variation 2183369 (VCV002183369.5), dbSNP rs2517140281, ClinGen allele CA409680792.